The following is an entry in ClinVar:

ClinVar aggregate classification (germline): Uncertain significance. Review status: criteria provided, multiple submitters, no conflicts (2 of 4 stars). 2 submissions from 2 submitters: Uncertain significance (2). Last evaluated 2025-10-27.

Conditions:
Charcot-Marie-Tooth disease type 2. Also called: Charcot-Marie-Tooth type 2. Identifiers: Orphanet 64746, MedGen C0270914, MONDO:0018993.

gnomAD v4.1: 1 of 1,613,846 alleles (0.000062%); highest among the groups gnomAD compares: East Asian, 0.0022%; no homozygotes.

Submissions (2):

Labcorp Genetics (formerly Invitae), Labcorp
Classification: Uncertain significance for Charcot-Marie-Tooth disease type 2. Last evaluated: 2025-10-27. Review status: criteria provided, single submitter. Criteria: Invitae Variant Classification Sherloc (09022015). Collection method: clinical testing. Allele origin: germline.
Comment: This sequence change replaces asparagine, which is neutral and polar, with serine, which is neutral and polar, at codon 936 of the KIF1B protein (p.Asn936Ser). This variant is not present in population databases (gnomAD no frequency). This variant has not been reported in the literature in individuals affected with KIF1B-related conditions. ClinVar contains an entry for this variant (Variation ID: 2497099). Invitae Evidence Modeling of protein sequence and biophysical properties (such as structural, functional, and spatial information, amino acid conservation, physicochemical variation, residue mobility, and thermodynamic stability) indicates that this missense variant is not expected to disrupt KIF1B protein function with a negative predictive value of 80%. In summary, the available evidence is currently insufficient to determine the role of this variant in disease. Therefore, it has been classified as a Variant of Uncertain Significance.

Ambry Genetics
Classification: Uncertain significance. Last evaluated: 2025-06-29. Review status: criteria provided, single submitter. Criteria: Ambry Variant Classification Scheme 2023. Collection method: clinical testing. Allele origin: germline.
Comment: The p.N936S variant (also known as c.2807A>G), located in coding exon 25 of the KIF1B gene, results from an A to G substitution at nucleotide position 2807. The asparagine at codon 936 is replaced by serine, an amino acid with highly similar properties. This amino acid position is conserved. In addition, this alteration is predicted to be tolerated by in silico analysis. Since supporting evidence is limited at this time, the clinical significance of this alteration remains unclear.

NM_001365951.3(KIF1B):c.2945A>G (p.Asn982Ser)

Gene: KIF1B (kinesin family member 1B; plus strand). Cytogenetic location: 1p36.22.
Variant type: single nucleotide variant.
Coding change: c.2945A>G on transcript NM_001365951.3 (MANE Select); coding-DNA position 2945, A replaced by G.
Protein change: p.Asn982Ser; replaces asparagine 982 with serine.
Molecular consequence: missense variant.
Genome position (GRCh38, 1-based): chr1:10,334,540, A>G. VCF-style: chr1-10334540-A-G. GRCh37 (hg19) VCF-style: chr1-10394598-A-G.
Other names: c.2945A>G, p.Asn982Ser (NM_001365952.1); c.2807A>G, p.Asn936Ser (NM_015074.3); short protein forms N936S, N982S.
Identifiers: ClinVar variation 2497099 (VCV002497099.5), dbSNP rs1198789049, ClinGen allele CA338338605.
Genomic context (GRCh38, chr1:10,334,540, plus strand): 5'-ATGGATGTTCTGACATTTGTCTCCTGGTTTCTGTCTTTAGGGCATTTGTTTACCTGAGCA[A>G]TCTGCTGTATCCCGTGCCCCTGATCCACAGGGTGGCCATCGTCAGTGAGAAAGGTGAAGT-3'
Protein context (NP_001352880.1, residues 972-992): LVGRAFVYLS[Asn982Ser]LLYPVPLIHR